The following is an entry in ClinVar:

ClinVar aggregate classification (germline): Uncertain significance. Review status: criteria provided, multiple submitters, no conflicts (2 of 4 stars). 3 submissions from 3 submitters: Uncertain significance (3). Last evaluated 2025-12-23.

Conditions:
Hereditary cancer-predisposing syndrome. Also called: Tumor predisposition; Neoplastic Syndromes, Hereditary; Hereditary Cancer Syndrome; Hereditary neoplastic syndrome. Identifiers: Orphanet 140162, MedGen C0027672, MeSH D009386, MONDO:0015356.
Ataxia-telangiectasia syndrome (AT). Also called: Ataxia-telangiectasia; LOUIS-BAR SYNDROME; Ataxia-telangiectasia, complementation group D; AT, COMPLEMENTATION GROUP C; ATAXIA-TELANGIECTASIA, COMPLEMENTATION GROUP A; ATAXIA-TELANGIECTASIA, FRESNO VARIANT. Identifiers: Orphanet 100, MedGen C0004135, MONDO:0008840, OMIM 208900.
Familial cancer of breast. Also called: BREAST CANCER, FAMILIAL; Hereditary breast cancer; hereditary breast carcinoma. Identifiers: Orphanet 227535, MedGen C0346153, MONDO:0016419, OMIM 114480. Disease mechanism: loss of function.

Submissions (3):

Labcorp Genetics (formerly Invitae), Labcorp
Classification: Uncertain significance for Ataxia-telangiectasia syndrome. Last evaluated: 2025-12-23. Review status: criteria provided, single submitter. Criteria: Invitae Variant Classification Sherloc (09022015). Collection method: clinical testing. Allele origin: germline.
Comment: This sequence change replaces lysine, which is basic and polar, with arginine, which is basic and polar, at codon 2253 of the ATM protein (p.Lys2253Arg). This variant is not present in population databases (gnomAD no frequency). This variant has not been reported in the literature in individuals affected with ATM-related conditions. ClinVar contains an entry for this variant (Variation ID: 1297044). Invitae Evidence Modeling of protein sequence and biophysical properties (such as structural, functional, and spatial information, amino acid conservation, physicochemical variation, residue mobility, and thermodynamic stability) indicates that this missense variant is not expected to disrupt ATM protein function with a negative predictive value of 95%. In summary, the available evidence is currently insufficient to determine the role of this variant in disease. Therefore, it has been classified as a Variant of Uncertain Significance.

Ambry Genetics
Classification: Uncertain significance for Hereditary cancer-predisposing syndrome. Last evaluated: 2022-05-06. Review status: criteria provided, single submitter. Criteria: Ambry Variant Classification Scheme 2023. Collection method: clinical testing. Allele origin: germline.
Comment: The p.K2253R variant (also known as c.6758A>G), located in coding exon 45 of the ATM gene, results from an A to G substitution at nucleotide position 6758. The lysine at codon 2253 is replaced by arginine, an amino acid with highly similar properties. This amino acid position is conserved. In addition, this alteration is predicted to be tolerated by in silico analysis. Since supporting evidence is limited at this time, the clinical significance of this alteration remains unclear.

Institute of Human Genetics, University of Leipzig Medical Center
Classification: Uncertain significance for Familial cancer of breast. Last evaluated: 2021-06-17. Review status: criteria provided, single submitter. Criteria: ACMG Guidelines, 2015. Collection method: clinical testing. Allele origin: unknown. Affected: yes.

NM_000051.4(ATM):c.6758A>G (p.Lys2253Arg)

Genes: ATM (ATM serine/threonine kinase; plus strand), C11orf65 (chromosome 11 open reading frame 65; minus strand). Cytogenetic location: 11q22.3.
Variant type: single nucleotide variant.
Coding change: c.6758A>G on transcript NM_000051.4 (MANE Select); coding-DNA position 6758, A replaced by G.
Protein change: p.Lys2253Arg; replaces lysine 2253 with arginine.
Molecular consequence: missense variant. On other transcripts: intron variant (2).
Genome position (GRCh38, 1-based): chr11:108,325,495, A>G. VCF-style: chr11-108325495-A-G. GRCh37 (hg19) VCF-style: chr11-108196222-A-G.
Other names: c.6758A>G, p.Lys2253Arg (NM_001351834.2); c.641-16424T>C (NM_001330368.2); c.*38+9725T>C (NM_001351110.2); short protein forms K2253R.
Identifiers: ClinVar variation 1297044 (VCV001297044.6), dbSNP rs786203332, ClinGen allele CA382555322.